The following is an entry in ClinVar:

NM_001035.3(RYR2):c.3807+270G>A

Genes: RYR2 (ryanodine receptor 2; plus strand), LOC126806067 (BRD4-independent group 4 enhancer GRCh37_chr1:237753258-237754457; plus strand). Cytogenetic location: 1q43.
Variant type: single nucleotide variant.
Coding change: c.3807+270G>A on transcript NM_001035.3 (MANE Select); 270 bases into the intron after coding-DNA position 3807, G replaced by A.
Molecular consequence: intron variant.
Genome position (GRCh38, 1-based): chr1:237,590,271, G>A. VCF-style: chr1-237590271-G-A. GRCh37 (hg19) VCF-style: chr1-237753571-G-A.
Identifiers: ClinVar variation 683778 (VCV000683778.1), dbSNP rs2805411, ClinGen allele CA10707500.

ClinVar aggregate classification (germline): Benign (1 of 4 stars; one submission).

Allele frequency attached by ClinVar (database versions not stated): 1000 Genomes Project 30x 0.33276; 1000 Genomes Project 0.33526; TOPMed 0.39051; gnomAD 0.39358 and 0.39383.
gnomAD v4.1: 59,670 of 151,444 alleles (39%); highest among the groups gnomAD compares: Admixed American, 50%; 13,180 homozygotes.

Submission:

GeneDx
Classification: Benign. Last evaluated: 2018-06-18. Review status: criteria provided, single submitter. Criteria: GeneDx Variant Classification (06012015). Collection method: clinical testing. Allele origin: germline. Affected: yes.
Comment: This variant is considered likely benign or benign based on one or more of the following criteria: it is a conservative change, it occurs at a poorly conserved position in the protein, it is predicted to be benign by multiple in silico algorithms, and/or has population frequency not consistent with disease.